The following is an entry in ClinVar:

ClinVar aggregate classification (germline): Likely pathogenic (1 of 4 stars; one submission).

Submission:

GeneDx
Classification: Likely pathogenic. Last evaluated: 2016-03-04. Review status: criteria provided, single submitter. Criteria: GeneDx Variant Classification (06012015). Collection method: clinical testing. Allele origin: germline. Affected: yes.
Comment: The C1517Y variant in the FBN2 gene has not been reported previously as a pathogenic variant, nor as a benign variant, to our knowledge. The C1517Y variant was not observed in approximately 6500 individuals of European and African American ancestry in the NHLBI Exome Sequencing Project, indicating it is not a common benign variant in these populations. The C1517Y variant is a non-conservative amino acid substitution, which is likely to impact secondary protein structure as these residues differ in polarity, charge, size and/or other properties. Additionally, this substitution occurs at a position that is conserved across species and in silico analysis predicts this variant is probably damaging to the protein structure/function. The C1517Y variant is a strong candidate for a pathogenic variant; however, the possibility it may be a rare benign variant cannot be excluded.

NM_001999.4(FBN2):c.4550G>A (p.Cys1517Tyr)

Gene: FBN2 (fibrillin 2; minus strand). Cytogenetic location: 5q23.3.
Variant type: single nucleotide variant.
Coding change: c.4550G>A on transcript NM_001999.4 (MANE Select); coding-DNA position 4550, G replaced by A.
Protein change: p.Cys1517Tyr; replaces cysteine 1517 with tyrosine.
Molecular consequence: missense variant.
Genome position (GRCh38, 1-based): chr5:128,318,923, C>T on the plus strand (G>A on the coding strand, the complement: FBN2 is on the minus strand). VCF-style: chr5-128318923-C-T. GRCh37 (hg19) VCF-style: chr5-127654615-C-T.
Other names: short protein forms C1517Y.
Identifiers: ClinVar variation 384436 (VCV000384436.2), dbSNP rs1057521951, ClinGen allele CA16604784.
Genomic context (GRCh38, chr5:128,318,923, plus strand): 5'-TGGTAACTGACCATACCTGTACAGTTCCCTCCTGTTCTGTCCAATTCATAACCATCATCG[C>T]AGATGCAATGAAACATTCCAGGCAGGTTATTACATGTTCCAAAGACACAAATGTTTTGGA-3'
Protein context (NP_001990.2, residues 1507-1527): NNLPGMFHCI[Cys1517Tyr]DDGYELDRTG